The following is an entry in ClinVar:

ClinVar aggregate classification (germline): Uncertain significance (1 of 4 stars; one submission).

Submission:

Labcorp Genetics (formerly Invitae), Labcorp
Classification: Uncertain significance. Last evaluated: 2024-12-16. Review status: criteria provided, single submitter. Criteria: Invitae Variant Classification Sherloc (09022015). Collection method: clinical testing. Allele origin: germline.
Comment: This sequence change replaces alanine, which is neutral and non-polar, with phenylalanine, which is neutral and non-polar, at codon 341 of the TGFB1 protein (p.Ala341Phe). Information on the frequency of this variant in the gnomAD database is not available, as this variant may be reported differently in the database. This variant has not been reported in the literature in individuals affected with TGFB1-related conditions. ClinVar contains an entry for this variant (Variation ID: 1943833). An algorithm developed to predict the effect of missense changes on protein structure and function (PolyPhen-2) suggests that this variant is likely to be disruptive. In summary, the available evidence is currently insufficient to determine the role of this variant in disease. Therefore, it has been classified as a Variant of Uncertain Significance.

NM_000660.7(TGFB1):c.1021_1022delinsTT (p.Ala341Phe)

Gene: TGFB1 (transforming growth factor beta 1; minus strand). Cytogenetic location: 19q13.2.
Variant type: Indel.
Coding change: c.1021_1022delinsTT on transcript NM_000660.7 (MANE Select); coding-DNA positions 1021 to 1022, GC replaced by TT.
Protein change: p.Ala341Phe; replaces alanine 341 with phenylalanine.
Molecular consequence: missense variant.
Genome position (GRCh38, 1-based): chr19:41,331,203-41,331,204, GC replaced by AA on the plus strand (GC replaced by TT on the coding strand, the reverse complement: TGFB1 is on the minus strand). VCF-style: chr19-41331203-GC-AA. GRCh37 (hg19) VCF-style: chr19-41837108-GC-AA.
Other names: short protein forms A341F.
Identifiers: ClinVar variation 1943833 (VCV001943833.5), dbSNP rs2513372049, ClinGen allele CA2580097333.